The following is an entry in ClinVar:

ClinVar aggregate classification (germline): Benign. Review status: criteria provided, multiple submitters, no conflicts (2 of 4 stars). 2 submissions from 2 submitters: Benign (2). Last evaluated 2018-06-14.

Allele frequency attached by ClinVar (database versions not stated): TOPMed 0.87302; 1000 Genomes Project 30x 0.87695; gnomAD 0.87919 and 0.88456; 1000 Genomes Project 0.88538.
gnomAD v4.1: 134,683 of 152,184 alleles (89%); highest among the groups gnomAD compares: East Asian, 100%; 60,482 homozygotes.

Submissions (2):

GeneDx
Classification: Benign. Last evaluated: 2018-06-14. Review status: criteria provided, single submitter. Criteria: GeneDx Variant Classification (06012015). Collection method: clinical testing. Allele origin: germline. Affected: yes.
Comment: This variant is considered likely benign or benign based on one or more of the following criteria: it is a conservative change, it occurs at a poorly conserved position in the protein, it is predicted to be benign by multiple in silico algorithms, and/or has population frequency not consistent with disease.

Breakthrough Genomics
Classification: Benign. Review status: criteria provided, single submitter. Criteria: ACMG Guidelines, 2015. Collection method: not provided. Allele origin: germline. Inheritance: Autosomal recessive inheritance. Affected: yes.

NM_004092.4(ECHS1):c.89-160G>C

Gene: ECHS1 (enoyl-CoA hydratase, short chain 1; minus strand). Cytogenetic location: 10q26.3.
Variant type: single nucleotide variant.
Coding change: c.89-160G>C on transcript NM_004092.4 (MANE Select); 160 bases into the intron before coding-DNA position 89, G replaced by C.
Molecular consequence: intron variant.
Genome position (GRCh38, 1-based): chr10:133,370,917, C>G on the plus strand (G>C on the coding strand, the complement: ECHS1 is on the minus strand). VCF-style: chr10-133370917-C-G. GRCh37 (hg19) VCF-style: chr10-135184421-C-G.
Identifiers: ClinVar variation 683758 (VCV000683758.2), dbSNP rs7894051, ClinGen allele CA13234407.
Genomic context (GRCh38, chr10:133,370,917, plus strand): 5'-CCAAGAGGCCCTCTGAGGGCTCCCTGCCGAGTCCTCAGTGGCTCCAGGTGTAGCTCTCAG[C>G]CACAAGGATAGATGGTAGCCTTGGTACCATTCTCTCTGCTTTCACATGTGTTTGAACATG-3'